The following is an entry in ClinVar:

NM_002439.5(MSH3):c.3403C>T (p.Leu1135Phe)

Gene: MSH3 (mutS homolog 3; plus strand). Cytogenetic location: 5q14.1.
Variant type: single nucleotide variant.
Coding change: c.3403C>T on transcript NM_002439.5 (MANE Select); coding-DNA position 3403, C replaced by T.
Protein change: p.Leu1135Phe; replaces leucine 1135 with phenylalanine.
Molecular consequence: missense variant.
Genome position (GRCh38, 1-based): chr5:80,875,851, C>T. VCF-style: chr5-80875851-C-T. GRCh37 (hg19) VCF-style: chr5-80171670-C-T.
Other names: c.3403C>T (NM_002439.3); short protein forms L1135F.
Identifiers: ClinVar variation 2133852 (VCV002133852.5), dbSNP rs750229262, ClinGen allele CA3328534.

ClinVar aggregate classification (germline): Uncertain significance. Review status: criteria provided, multiple submitters, no conflicts (2 of 4 stars). 2 submissions from 2 submitters: Uncertain significance (2). Last evaluated 2025-02-16.

Conditions:
Hereditary cancer-predisposing syndrome. Also called: Hereditary neoplastic syndrome; Hereditary Cancer Syndrome; Tumor predisposition; Neoplastic Syndromes, Hereditary. Identifiers: Orphanet 140162, MedGen C0027672, MeSH D009386, MONDO:0015356.

Allele frequency attached by ClinVar (database versions not stated): gnomAD exomes below 0.00001; ExAC 0.00001.
gnomAD v4.1: 3 of 1,600,278 alleles (0.00019%); highest among the groups gnomAD compares: South Asian, 0.0011%; no homozygotes.

Submissions (2):

Ambry Genetics
Classification: Uncertain significance for Hereditary cancer-predisposing syndrome. Last evaluated: 2025-02-16. Review status: criteria provided, single submitter. Criteria: Ambry Variant Classification Scheme 2023. Collection method: clinical testing. Allele origin: germline.
Comment: The p.L1135F variant (also known as c.3403C>T), located in coding exon 24 of the MSH3 gene, results from a C to T substitution at nucleotide position 3403. The leucine at codon 1135 is replaced by phenylalanine, an amino acid with highly similar properties. This amino acid position is conserved. In addition, this alteration is predicted to be tolerated by in silico analysis. Based on the available evidence, the clinical significance of this variant remains unclear.

Labcorp Genetics (formerly Invitae), Labcorp
Classification: Uncertain significance. Last evaluated: 2024-11-12. Review status: criteria provided, single submitter. Criteria: Invitae Variant Classification Sherloc (09022015). Collection method: clinical testing. Allele origin: germline.
Comment: This sequence change replaces leucine, which is neutral and non-polar, with phenylalanine, which is neutral and non-polar, at codon 1135 of the MSH3 protein (p.Leu1135Phe). This variant is present in population databases (rs750229262, gnomAD 0.0009%). This variant has not been reported in the literature in individuals affected with MSH3-related conditions. ClinVar contains an entry for this variant (Variation ID: 2133852). An algorithm developed to predict the effect of missense changes on protein structure and function outputs the following: PolyPhen-2: "Possibly Damaging". The phenylalanine amino acid residue is found in multiple mammalian species, which suggests that this missense change does not adversely affect protein function. In summary, the available evidence is currently insufficient to determine the role of this variant in disease. Therefore, it has been classified as a Variant of Uncertain Significance.